The following is an entry in ClinVar:

ClinVar aggregate classification (germline): Uncertain significance. Review status: criteria provided, single submitter (1 of 4 stars). 2 submissions from 2 submitters: Uncertain significance (1). 1 of the submissions does not count toward it. Last evaluated 2022-05-22.

Conditions:
Marfan syndrome (MFS). Also called: Marfan syndrome type 1; Marfan syndrome, classic; Marfan's syndrome; FBN1-Related Marfan Syndrome; MARFAN SYNDROME, TYPE I. Identifiers: Orphanet 284963, Orphanet 558, MedGen C0024796, MONDO:0007947, OMIM 154700.

Submissions (2):

3billion
Classification: Uncertain significance for Marfan syndrome. Last evaluated: 2022-05-22. Review status: criteria provided, single submitter. Criteria: ACMG Guidelines, 2015. Collection method: clinical testing. Allele origin: germline. Affected: yes. Observed: 1 heterozygote.
Comment: The variant is not observed in the gnomAD v2.1.1 dataset. In silico tool predictions suggest damaging effect of the variant on gene or gene product (REVEL: 0.79; 3Cnet: 0.98). A different missense change at the same codon (p.Phe1912Cys) has been reported to be associated with FBN1 related disorder (ClinVar ID: VCV000982360 / PMID: 26272055). However the evidence of pathogenicity is insufficient at this time. Therefore, this variant is classified as uncertain significanceaccording to the recommendation of ACMG/AMP guideline.

Center for Medical Genetics Ghent, University of Ghent
Classification: Uncertain significance for Marfan syndrome. Last evaluated: 2017-11-07. Review status: no assertion criteria provided. Collection method: clinical testing. Allele origin: de novo. Affected: yes. Not counted in ClinVar's aggregate classification.

Literature cited by the submitters: PubMed 26272055 (cited by 3billion).

NM_000138.5(FBN1):c.5735T>C (p.Phe1912Ser)

Gene: FBN1 (fibrillin 1; minus strand). Cytogenetic location: 15q21.1.
Variant type: single nucleotide variant.
Coding change: c.5735T>C on transcript NM_000138.5 (MANE Select); coding-DNA position 5735, T replaced by C.
Protein change: p.Phe1912Ser; replaces phenylalanine 1912 with serine.
Molecular consequence: missense variant.
Genome position (GRCh38, 1-based): chr15:48,446,759, A>G on the plus strand (T>C on the coding strand, the complement: FBN1 is on the minus strand). VCF-style: chr15-48446759-A-G. GRCh37 (hg19) VCF-style: chr15-48738956-A-G.
Other names: short protein forms F1912S.
Identifiers: ClinVar variation 549300 (VCV000549300.2), dbSNP rs1555395830, ClinGen allele CA392341229.